The following is an entry in ClinVar:

ClinVar aggregate classification (germline): Uncertain significance (1 of 4 stars; one submission).

gnomAD v4.1: 1 of 1,532,938 alleles (0.000065%); highest among the groups gnomAD compares: Non-Finnish European, 0.000089%; no homozygotes.

Submission:

Labcorp Genetics (formerly Invitae), Labcorp
Classification: Uncertain significance. Last evaluated: 2022-04-12. Review status: criteria provided, single submitter. Criteria: Invitae Variant Classification Sherloc (09022015). Collection method: clinical testing. Allele origin: germline.
Comment: This variant is not present in population databases (gnomAD no frequency). This sequence change replaces glutamic acid, which is acidic and polar, with valine, which is neutral and non-polar, at codon 1376 of the COL11A1 protein (p.Glu1376Val). In summary, the available evidence is currently insufficient to determine the role of this variant in disease. Therefore, it has been classified as a Variant of Uncertain Significance. Advanced modeling of protein sequence and biophysical properties (such as structural, functional, and spatial information, amino acid conservation, physicochemical variation, residue mobility, and thermodynamic stability) performed at Invitae indicates that this missense variant is not expected to disrupt COL11A1 protein function. This variant has not been reported in the literature in individuals affected with COL11A1-related conditions.

NM_001854.4(COL11A1):c.4127A>T (p.Glu1376Val)

Gene: COL11A1 (collagen type XI alpha 1 chain; minus strand). Cytogenetic location: 1p21.1.
Variant type: single nucleotide variant.
Coding change: c.4127A>T on transcript NM_001854.4 (MANE Select); coding-DNA position 4127, A replaced by T.
Protein change: p.Glu1376Val; replaces glutamic acid 1376 with valine.
Molecular consequence: missense variant. On other transcripts: non-coding transcript variant (1).
Genome position (GRCh38, 1-based): chr1:102,898,954, T>A on the plus strand (A>T on the coding strand, the complement: COL11A1 is on the minus strand). VCF-style: chr1-102898954-T-A. GRCh37 (hg19) VCF-style: chr1-103364510-T-A.
Other names: c.3779A>T, p.Glu1260Val (NM_001168249.1, NM_080630.4); c.4010A>T, p.Glu1337Val (NM_001190709.2); c.4163A>T, p.Glu1388Val (NM_080629.3); short protein forms E1337V, E1376V, E1388V, E1260V.
Identifiers: ClinVar variation 2125543 (VCV002125543.4), dbSNP rs2524339185, ClinGen allele CA341155677.
Genomic context (GRCh38, chr1:102,898,954, plus strand): 5'-ATATATAATATATAATATATATTATGTATATATTATTTTTTTTTTACCTTAGCACCTTTT[T>A]CACCTTGTCTTCCCTCTGCACCTGCAGCTCCAGGAGGACCCTATAGACATAAGATTTATT-3'
Protein context (NP_001845.3, residues 1366-1386): GAAGAEGRQG[Glu1376Val]KGAKGEAGAE